The following is an entry in ClinVar:

ClinVar aggregate classification (germline): Uncertain significance. Review status: criteria provided, multiple submitters, no conflicts (2 of 4 stars). 2 submissions from 2 submitters: Uncertain significance (2). Last evaluated 2025-10-01.

gnomAD v4.1: 1 of 1,613,674 alleles (0.000062%); highest among the groups gnomAD compares: Non-Finnish European, 0.000085%; no homozygotes.

Submissions (2):

CeGaT Center for Human Genetics Tuebingen
Classification: Uncertain significance. Last evaluated: 2025-10-01. Review status: criteria provided, single submitter. Criteria: CeGaT Center For Human Genetics Tuebingen Variant Classification Criteria Version 2. Collection method: clinical testing. Allele origin: germline. Affected: yes. Observed: 1 variant allele.
Comment: MTOR: PM2

GeneDx
Classification: Uncertain significance. Last evaluated: 2019-05-20. Review status: criteria provided, single submitter. Criteria: GeneDx Variant Classification Process June 2021. Collection method: clinical testing. Allele origin: germline. Affected: yes.
Comment: Not observed in large population cohorts (Lek et al., 2016); In silico analysis, which includes protein predictors and evolutionary conservation, supports a deleterious effect; Has not been previously published as pathogenic or benign to our knowledge

NM_004958.4(MTOR):c.158G>A (p.Arg53Gln)

Gene: MTOR (mechanistic target of rapamycin kinase; minus strand). Cytogenetic location: 1p36.22.
Variant type: single nucleotide variant.
Coding change: c.158G>A on transcript NM_004958.4 (MANE Select); coding-DNA position 158, G replaced by A.
Protein change: p.Arg53Gln; replaces arginine 53 with glutamine.
Molecular consequence: missense variant. On other transcripts: 5 prime UTR variant (1).
Genome position (GRCh38, 1-based): chr1:11,259,252, C>T on the plus strand (G>A on the coding strand, the complement: MTOR is on the minus strand). VCF-style: chr1-11259252-C-T. GRCh37 (hg19) VCF-style: chr1-11319309-C-T.
Other names: c.158G>A, p.Arg53Gln (NM_001386500.1); c.-982G>A (NM_001386501.1); short protein forms R53Q.
Identifiers: ClinVar variation 1305794 (VCV001305794.8), dbSNP rs1650804526, ClinGen allele CA338405085.